The following is an entry in ClinVar:

NM_001035.3(RYR2):c.13635A>T (p.Thr4545=)

Gene: RYR2 (ryanodine receptor 2; plus strand). Cytogenetic location: 1q43.
Variant type: single nucleotide variant.
Coding change: c.13635A>T on transcript NM_001035.3 (MANE Select); coding-DNA position 13635, A replaced by T.
Protein change: p.Thr4545=; no amino-acid change (threonine 4545 retained).
Molecular consequence: synonymous variant.
Genome position (GRCh38, 1-based): chr1:237,792,176, A>T. VCF-style: chr1-237792176-A-T. GRCh37 (hg19) VCF-style: chr1-237955476-A-T.
Other names: c.13635A>T, p.Thr4545= (LRG_402t1).
Identifiers: ClinVar variation 519500 (VCV000519500.20), dbSNP rs779762647, ClinGen allele CA067433.

ClinVar aggregate classification (germline): Likely benign. Review status: criteria provided, multiple submitters, no conflicts (2 of 4 stars). 5 submissions from 5 submitters: Likely benign (5). Last evaluated 2026-01-19.

Conditions:
Cardiovascular phenotype. Identifiers: MedGen CN230736.
Catecholaminergic polymorphic ventricular tachycardia (CVPT). Also called: Catecholamine-induced polymorphic ventricular tachycardia. Identifiers: Orphanet 3286, MedGen C5574922, MONDO:0017990.
Catecholaminergic polymorphic ventricular tachycardia 1. Also called: RYR2-Related Catecholaminergic Polymorphic Ventricular Tachycardia; VENTRICULAR TACHYCARDIA, CATECHOLAMINERGIC POLYMORPHIC, 1, WITH OR WITHOUT ATRIAL DYSFUNCTION AND/OR DILATED CARDIOMYOPATHY; VENTRICULAR TACHYCARDIA, STRESS-INDUCED POLYMORPHIC 1. Identifiers: Orphanet 3286, MedGen C1631597, MONDO:0011484, OMIM 604772.
Cardiomyopathy (CMYO). Also called: Cardiomyopathies. Identifiers: Orphanet 167848, MedGen C0878544, MONDO:0004994, HP:0001638. Inheritance: Various modes of inheritance.

Allele frequency attached by ClinVar (database versions not stated): gnomAD 0.00001 and 0.00002; gnomAD exomes 0.00001; ExAC 0.00002; TOPMed 0.00003.
gnomAD v4.1: 17 of 1,612,970 alleles (0.0011%); highest among the groups gnomAD compares: Non-Finnish European, 0.0014%; no homozygotes.

Submissions (5):

Labcorp Genetics (formerly Invitae), Labcorp
Classification: Likely benign for Catecholaminergic polymorphic ventricular tachycardia 1. Last evaluated: 2026-01-19. Review status: criteria provided, single submitter. Criteria: Invitae Variant Classification Sherloc (09022015). Collection method: clinical testing. Allele origin: germline.

All of Us Research Program, National Institutes of Health
Classification: Likely benign for Catecholaminergic polymorphic ventricular tachycardia. Last evaluated: 2023-12-18. Review status: criteria provided, single submitter. Criteria: ACMG Guidelines, 2015. Collection method: clinical testing. Allele origin: germline. Inheritance: Autosomal dominant inheritance. Observed: 7 variant alleles, 7 heterozygotes.
Comment: This study involves interpretation of variants in research participants for the purpose of population health screening. Participant phenotype was not available at the time of variant classification. Additional details can be found in publication PMID: 35346344, PMCID: PMC8962531

GeneDx
Classification: Likely benign. Last evaluated: 2021-01-12. Review status: criteria provided, single submitter. Criteria: GeneDx Variant Classification Process June 2021. Collection method: clinical testing. Allele origin: germline. Affected: yes.

Color Diagnostics, LLC DBA Color Health
Classification: Likely benign for Cardiomyopathy. Last evaluated: 2018-06-11. Review status: criteria provided, single submitter. Criteria: ACMG Guidelines, 2015. Collection method: clinical testing. Allele origin: germline.

Ambry Genetics
Classification: Likely benign for Cardiovascular phenotype. Last evaluated: 2017-08-31. Review status: criteria provided, single submitter. Criteria: Ambry Variant Classification Scheme 2023. Collection method: clinical testing. Allele origin: germline.